The following is an entry in ClinVar:

ClinVar aggregate classification (germline): Uncertain significance (1 of 4 stars; one submission).

Conditions:
Facioscapulohumeral muscular dystrophy 2 (FSHD2). Also called: FACIOSCAPULOHUMERAL MUSCULAR DYSTROPHY 2, DIGENIC; FSHD2, DIGENIC; MUSCULAR DYSTROPHY, FACIOSCAPULOHUMERAL, TYPE 1B. Identifiers: Orphanet 269, MedGen C1834671, MONDO:0008031, OMIM 158901.

Submission:

Labcorp Genetics (formerly Invitae), Labcorp
Classification: Uncertain significance for Facioscapulohumeral muscular dystrophy 2. Last evaluated: 2023-06-15. Review status: criteria provided, single submitter. Criteria: Invitae Variant Classification Sherloc (09022015). Collection method: clinical testing. Allele origin: germline.
Comment: In summary, the available evidence is currently insufficient to determine the role of this variant in disease. Therefore, it has been classified as a Variant of Uncertain Significance. Advanced modeling of protein sequence and biophysical properties (such as structural, functional, and spatial information, amino acid conservation, physicochemical variation, residue mobility, and thermodynamic stability) performed at Invitae indicates that this missense variant is not expected to disrupt SMCHD1 protein function. This variant has not been reported in the literature in individuals affected with SMCHD1-related conditions. This variant is not present in population databases (gnomAD no frequency). This sequence change replaces threonine, which is neutral and polar, with alanine, which is neutral and non-polar, at codon 1834 of the SMCHD1 protein (p.Thr1834Ala).

NM_015295.3(SMCHD1):c.5500A>G (p.Thr1834Ala)

Gene: SMCHD1 (structural maintenance of chromosomes flexible hinge domain containing 1; plus strand). Cytogenetic location: 18p11.32.
Variant type: single nucleotide variant.
Coding change: c.5500A>G on transcript NM_015295.3 (MANE Select); coding-DNA position 5500, A replaced by G.
Protein change: p.Thr1834Ala; replaces threonine 1834 with alanine.
Molecular consequence: missense variant.
Genome position (GRCh38, 1-based): chr18:2,778,192, A>G. VCF-style: chr18-2778192-A-G. GRCh37 (hg19) VCF-style: chr18-2778190-A-G.
Other names: short protein forms T1834A.
Identifiers: ClinVar variation 2716564 (VCV002716564.3), dbSNP rs2510160112, ClinGen allele CA401686608.